The following is an entry in ClinVar:

NM_172240.3(POC1B):c.88G>A (p.Gly30Ser)

Genes: POC1B (POC1 centriolar protein B; minus strand), POC1B-DUSP6 (POC1B-DUSP6 readthrough; minus strand), POC1B-GALNT4 (POC1B-GALNT4 readthrough; minus strand), LOC130008356 (ATAC-STARR-seq lymphoblastoid silent region 4693; plus strand). Cytogenetic location: 12q21.33.
Variant type: single nucleotide variant.
Coding change: c.88G>A on transcript NM_172240.3 (MANE Select); coding-DNA position 88, G replaced by A.
Protein change: p.Gly30Ser; replaces glycine 30 with serine.
Molecular consequence: missense variant. On other transcripts: synonymous variant (1), 5 prime UTR variant (1), non-coding transcript variant (2).
Genome position (GRCh38, 1-based): chr12:89,525,132, C>T on the plus strand (G>A on the coding strand, the complement: POC1B is on the minus strand). VCF-style: chr12-89525132-C-T. GRCh37 (hg19) VCF-style: chr12-89918909-C-T.
Other names: c.88G>A, p.Gly30Ser (NM_001199781.2); c.348G>A, p.Thr116= (NM_001199782.1); c.-39G>A (NM_001199777.2); short protein forms G30S.
Identifiers: ClinVar variation 1519783 (VCV001519783.6), dbSNP rs1456154895, ClinGen allele CA386008104.

ClinVar aggregate classification (germline): Uncertain significance. Review status: criteria provided, multiple submitters, no conflicts (2 of 4 stars). 2 submissions from 2 submitters: Uncertain significance (2). Last evaluated 2024-03-28.

Conditions:
Cone-rod dystrophy 20 (CORD20). Identifiers: Orphanet 1872, MedGen C4014856, MONDO:0014427, OMIM 615973.

Allele frequency attached by ClinVar (database versions not stated): gnomAD exomes below 0.00001 and 0.00001.
gnomAD v4.1: 3 of 1,614,052 alleles (0.00019%); highest among the groups gnomAD compares: East Asian, 0.0022%; no homozygotes.

Submissions (2):

Fulgent Genetics
Classification: Uncertain significance for Cone-rod dystrophy 20. Last evaluated: 2024-03-28. Review status: criteria provided, single submitter. Criteria: ACMG Guidelines, 2015. Collection method: clinical testing. Allele origin: germline.

Labcorp Genetics (formerly Invitae), Labcorp
Classification: Uncertain significance. Last evaluated: 2021-08-20. Review status: criteria provided, single submitter. Criteria: Invitae Variant Classification Sherloc (09022015). Collection method: clinical testing. Allele origin: germline.
Comment: This sequence change replaces glycine with serine at codon 30 of the POC1B protein (p.Gly30Ser). The glycine residue is moderately conserved and there is a small physicochemical difference between glycine and serine. This variant is not present in population databases (ExAC no frequency). This variant has not been reported in the literature in individuals affected with POC1B-related conditions. Advanced modeling of protein sequence and biophysical properties (such as structural, functional, and spatial information, amino acid conservation, physicochemical variation, residue mobility, and thermodynamic stability) performed at Invitae indicates that this missense variant is not expected to disrupt POC1B protein function. In summary, the available evidence is currently insufficient to determine the role of this variant in disease. Therefore, it has been classified as a Variant of Uncertain Significance.